The following is an entry in ClinVar:

NM_023110.3(FGFR1):c.1468G>A (p.Gly490Arg)

Gene: FGFR1 (fibroblast growth factor receptor 1; minus strand). Cytogenetic location: 8p11.23.
Variant type: single nucleotide variant.
Coding change: c.1468G>A on transcript NM_023110.3 (MANE Select); coding-DNA position 1468, G replaced by A.
Protein change: p.Gly490Arg; replaces glycine 490 with arginine.
Molecular consequence: missense variant.
Genome position (GRCh38, 1-based): chr8:38,417,954, C>T on the plus strand (G>A on the coding strand, the complement: FGFR1 is on the minus strand). VCF-style: chr8-38417954-C-T. GRCh37 (hg19) VCF-style: chr8-38275472-C-T.
Other names: c.1462G>A, p.Gly488Arg (NM_001174063.2, NM_001174065.2, NM_001354367.2 and 1 more transcripts); c.1438G>A, p.Gly480Arg (NM_001174064.2); c.1201G>A, p.Gly401Arg (NM_001174066.2, NM_023105.3); c.1561G>A, p.Gly521Arg (NM_001174067.2); c.1189G>A, p.Gly397Arg (NM_001354368.2); c.1456G>A, p.Gly486Arg (NM_001354369.2); c.1195G>A, p.Gly399Arg (NM_001354370.2, NM_023106.3); short protein forms G490R, G397R, G480R, G486R, G488R, G399R, G401R, G521R.
Identifiers: ClinVar variation 377227 (VCV000377227.6), dbSNP rs869025670, ClinGen allele CA16603309.

ClinVar aggregate classification (germline): Pathogenic. Review status: criteria provided, multiple submitters, no conflicts (2 of 4 stars). 2 submissions from 2 submitters: Pathogenic (2). Last evaluated 2022-04-09.

Conditions:
Hypogonadotropic hypogonadism 2 with or without anosmia (HH2). Also called: HYPOGONADOTROPIC HYPOGONADISM 2 WITH OR WITHOUT ANOSMIA, SUSCEPTIBILITY TO; HYPOGONADOTROPIC HYPOGONADISM 2 WITHOUT ANOSMIA, SUSCEPTIBILITY TO; HYPOGONADOTROPIC HYPOGONADISM 2 WITHOUT ANOSMIA; FGFR1-Related GnRH Deficiency (Kallmann Syndrome 2). Identifiers: Orphanet 478, MedGen C1563720, MONDO:0007844, OMIM 147950. Disease mechanism: loss of function.
Pfeiffer syndrome (ACS5). Also called: ACS V. Identifiers: Orphanet 710, MedGen C0220658, MONDO:0007043, OMIM 101600.

Submissions (2):

Labcorp Genetics (formerly Invitae), Labcorp
Classification: Pathogenic for Pfeiffer syndrome; Hypogonadotropic hypogonadism 2 with or without anosmia. Last evaluated: 2022-04-09. Review status: criteria provided, single submitter. Criteria: Invitae Variant Classification Sherloc (09022015). Collection method: clinical testing. Allele origin: germline.
Comment: Algorithms developed to predict the effect of missense changes on protein structure and function (SIFT, PolyPhen-2, Align-GVGD) all suggest that this variant is likely to be disruptive. Algorithms developed to predict the effect of sequence changes on RNA splicing suggest that this variant may disrupt the consensus splice site. For these reasons, this variant has been classified as Pathogenic. This missense change has been observed in individual(s) with FGFR1-related conditions and/or Hartsfield syndrome (PMID: 23812909, 27363716; Invitae). In at least one individual the variant was observed to be de novo. ClinVar contains an entry for this variant (Variation ID: 377227). This sequence change replaces glycine, which is neutral and non-polar, with arginine, which is basic and polar, at codon 490 of the FGFR1 protein (p.Gly490Arg). This variant is not present in population databases (gnomAD no frequency).

Center for Pediatric Genomic Medicine, Children's Mercy Hospital and Clinics
Classification: Pathogenic. Last evaluated: 2016-11-21. Review status: criteria provided, single submitter. Criteria: ACMG Guidelines, 2015. Collection method: clinical testing. Allele origin: de novo.

Literature cited by the submitters: PubMed 23812909 (cited by Labcorp Genetics (formerly Invitae), Labcorp); PubMed 27363716 (cited by Labcorp Genetics (formerly Invitae), Labcorp).